The following is an entry in ClinVar:

ClinVar aggregate classification (germline): Uncertain significance (1 of 4 stars; one submission).

Conditions:
Osteogenesis imperfecta type I (OI1). Also called: Lobstein disease; Classic Non-deforming Osteogenesis Imperfecta with Blue Sclerae; OI, TYPE I; OSTEOGENESIS IMPERFECTA TARDA; OSTEOGENESIS IMPERFECTA WITH BLUE SCLERAE; Osteogenesis imperfecta type 1. Identifiers: Orphanet 216796, Orphanet 666, MedGen C0023931, MONDO:0008146, OMIM 166200. Disease mechanism: loss of function.

gnomAD v4.1: 1 of 1,613,974 alleles (0.000062%); highest among the groups gnomAD compares: Non-Finnish European, 0.000085%; no homozygotes.

Submission:

Labcorp Genetics (formerly Invitae), Labcorp
Classification: Uncertain significance for Osteogenesis imperfecta type I. Last evaluated: 2025-05-30. Review status: criteria provided, single submitter. Criteria: Invitae Variant Classification Sherloc (09022015). Collection method: clinical testing. Allele origin: germline.
Comment: This sequence change falls in intron 7 of the COL1A1 gene. It does not directly change the encoded amino acid sequence of the COL1A1 protein. It affects a nucleotide within the consensus splice site. This variant is not present in population databases (gnomAD no frequency). This variant has been observed in individual(s) with clinical features of COL1A1-related conditions (internal data). Variants that disrupt the consensus splice site are a relatively common cause of aberrant splicing (PMID: 17576681, 9536098). Algorithms developed to predict the effect of sequence changes on RNA splicing suggest that this variant may disrupt the consensus splice site. In summary, the available evidence is currently insufficient to determine the role of this variant in disease. Therefore, it has been classified as a Variant of Uncertain Significance.

Literature cited by the submitters: PubMed 17576681; PubMed 9536098.

NM_000088.4(COL1A1):c.588+6T>C

Gene: COL1A1 (collagen type I alpha 1 chain; minus strand). Cytogenetic location: 17q21.33.
Variant type: single nucleotide variant.
Coding change: c.588+6T>C on transcript NM_000088.4 (MANE Select); 6 bases into the intron after coding-DNA position 588, T replaced by C.
Molecular consequence: intron variant.
Genome position (GRCh38, 1-based): chr17:50,198,155, A>G on the plus strand (T>C on the coding strand, the complement: COL1A1 is on the minus strand). VCF-style: chr17-50198155-A-G. GRCh37 (hg19) VCF-style: chr17-48275516-A-G.
Identifiers: ClinVar variation 4720480 (VCV004720480.1).